The following is an entry in ClinVar:

ClinVar aggregate classification (germline): Uncertain significance. Review status: criteria provided, multiple submitters, no conflicts (2 of 4 stars). 3 submissions from 3 submitters: Uncertain significance (3). Last evaluated 2025-11-01.

Conditions:
TTN-related disorder. Also called: TTN-related condition; TTN-related disease; TTN-related disorders.
Early-onset myopathy with fatal cardiomyopathy (CMYO5). Also called: Salih Myopathy; CONGENITAL MYOPATHY 5 WITH CARDIOMYOPATHY. Identifiers: Orphanet 289377, MedGen C2673677, MONDO:0012714, OMIM 611705. Disease mechanism: loss of function.
Tibial muscular dystrophy (TMD). Also called: Tibial muscular dystrophy, tardive; UDD MYOPATHY; Udd Distal Myopathy – Tibial Muscular Dystrophy. Identifiers: Orphanet 609, MedGen C1838244, MONDO:0010870, OMIM 600334.
Dilated cardiomyopathy 1G (CMD1G). Identifiers: Orphanet 154, MedGen C1858763, MONDO:0011400, OMIM 604145.
Autosomal recessive limb-girdle muscular dystrophy type 2J (LGMDR10). Also called: Limb-girdle muscular dystrophy, type 2J; MUSCULAR DYSTROPHY, LIMB-GIRDLE, AUTOSOMAL RECESSIVE 10. Identifiers: Orphanet 140922, MedGen C1837342, MONDO:0012127, OMIM 608807.
Hypertrophic cardiomyopathy 9. Also called: Familial hypertrophic cardiomyopathy 9. Identifiers: MedGen C1861065, MONDO:0013412, OMIM 613765.
Myopathy, myofibrillar, 9, with early respiratory failure (MFM9). Also called: EDSTROM MYOPATHY; Myopathy, distal, with early respiratory failure, autosomal dominant; Hereditary myopathy with early respiratory failure; MYOPATHY, PROXIMAL, WITH EARLY RESPIRATORY MUSCLE INVOLVEMENT. Identifiers: Orphanet 178464, Orphanet 34521, MedGen C1863599, MONDO:0011362, OMIM 603689.

Allele frequency attached by ClinVar (database versions not stated): gnomAD exomes 0.00001; TOPMed 0.00001; gnomAD 0.00002.
gnomAD v4.1: 23 of 1,612,590 alleles (0.0014%); highest among the groups gnomAD compares: Non-Finnish European, 0.0018%; no homozygotes.

Submissions (3):

PreventionGenetics, part of Exact Sciences
Classification: Uncertain significance for TTN-related condition. Last evaluated: 2025-11-01. Review status: criteria provided, single submitter. Criteria: ACMG Guidelines, 2015. Collection method: clinical testing. Allele origin: germline.
Comment: The TTN c.50399A>C variant is predicted to result in the amino acid substitution p.Lys16800Thr. To our knowledge, this variant has not been reported in the literature. This variant is reported in 0.0031% of alleles in individuals of European (Non-Finnish) descent in gnomAD. At this time, the clinical significance of this variant is uncertain due to the absence of conclusive functional and genetic evidence.

Fulgent Genetics
Classification: Uncertain significance for Tibial muscular dystrophy; Myopathy, myofibrillar, 9, with early respiratory failure; Dilated cardiomyopathy 1G; Autosomal recessive limb-girdle muscular dystrophy type 2J; Early-onset myopathy with fatal cardiomyopathy; Hypertrophic cardiomyopathy 9. Last evaluated: 2021-09-09. Review status: criteria provided, single submitter. Criteria: ACMG Guidelines, 2015. Collection method: clinical testing. Allele origin: unknown.

Eurofins Ntd Llc (ga)
Classification: Uncertain significance. Last evaluated: 2016-10-20. Review status: criteria provided, single submitter. Criteria: EGL Classification Definitions 2015. Collection method: clinical testing. Allele origin: germline. Observed: 1 variant allele, 1 heterozygote.

NM_001267550.2(TTN):c.50399A>C (p.Lys16800Thr)

Genes: TTN (titin; minus strand), TTN-AS1 (TTN antisense RNA 1; plus strand). Cytogenetic location: 2q31.2.
Variant type: single nucleotide variant.
Coding change: c.50399A>C on transcript NM_001267550.2 (MANE Select); coding-DNA position 50399, A replaced by C.
Protein change: p.Lys16800Thr; replaces lysine 16800 with threonine.
Molecular consequence: missense variant.
Genome position (GRCh38, 1-based): chr2:178,611,910, T>G on the plus strand (A>C on the coding strand, the complement: TTN is on the minus strand). VCF-style: chr2-178611910-T-G. GRCh37 (hg19) VCF-style: chr2-179476637-T-G.
Other names: c.45476A>C, p.Lys15159Thr (NM_001256850.1); c.23204A>C, p.Lys7735Thr (NM_003319.4); c.42695A>C, p.Lys14232Thr (NM_133378.4); c.23579A>C, p.Lys7860Thr (NM_133432.3); c.23780A>C, p.Lys7927Thr (NM_133437.4); short protein forms K14232T, K16800T, K7735T, K7860T, K7927T, K15159T.
Identifiers: ClinVar variation 497578 (VCV000497578.7), dbSNP rs959185764, ClinGen allele CA60986203.